The following is an entry in ClinVar:

NM_144701.3(IL23R):c.491+5G>A

Gene: IL23R (interleukin 23 receptor; plus strand). Cytogenetic location: 1p31.3.
Variant type: single nucleotide variant.
Coding change: c.491+5G>A on transcript NM_144701.3 (MANE Select); 5 bases into the intron after coding-DNA position 491, G replaced by A.
Molecular consequence: intron variant.
Genome position (GRCh38, 1-based): chr1:67,182,964, G>A. VCF-style: chr1-67182964-G-A. GRCh37 (hg19) VCF-style: chr1-67648647-G-A.
Identifiers: ClinVar variation 3615189 (VCV003615189.2).
Genomic context (GRCh38, chr1:67,182,964, plus strand): 5'-TGGAATGCTGGGAAGCTCACCTACATAGACACAAAATACGTGGTACATGTGAAGAGGTAG[G>A]TCACTTCCTCACGGCTTCATATAAGCAGTTCCACCCCAGTTCAGCCAGAGCTCTGCCTCC-3'

ClinVar aggregate classification (germline): Uncertain significance (1 of 4 stars; one submission).

Submission:

Labcorp Genetics (formerly Invitae), Labcorp
Classification: Uncertain significance. Last evaluated: 2025-05-05. Review status: criteria provided, single submitter. Criteria: Invitae Variant Classification Sherloc (09022015). Collection method: clinical testing. Allele origin: germline.
Comment: This sequence change falls in intron 4 of the IL23R gene. It does not directly change the encoded amino acid sequence of the IL23R protein. It affects a nucleotide within the consensus splice site. This variant is not present in population databases (gnomAD no frequency). This variant has not been reported in the literature in individuals affected with IL23R-related conditions. ClinVar contains an entry for this variant (Variation ID: 3615189). Variants that disrupt the consensus splice site are a relatively common cause of aberrant splicing (PMID: 17576681, 9536098). Algorithms developed to predict the effect of sequence changes on RNA splicing suggest that this variant may disrupt the consensus splice site. In summary, the available evidence is currently insufficient to determine the role of this variant in disease. Therefore, it has been classified as a Variant of Uncertain Significance.

Literature cited by the submitters: PubMed 17576681; PubMed 9536098.